The following is an entry in ClinVar:

NM_000321.3(RB1):c.264+1G>T

Gene: RB1 (RB transcriptional corepressor 1; plus strand). Cytogenetic location: 13q14.2.
Variant type: single nucleotide variant.
Coding change: c.264+1G>T on transcript NM_000321.3 (MANE Select); the canonical splice donor site of the intron after coding-DNA position 264, G replaced by T.
Molecular consequence: splice donor variant.
Genome position (GRCh38, 1-based): chr13:48,307,407, G>T. VCF-style: chr13-48307407-G-T. GRCh37 (hg19) VCF-style: chr13-48881543-G-T.
Other names: c.264+1G>T (NM_001407165.1, NM_001407166.1, NM_001407167.1).
Identifiers: ClinVar variation 1073219 (VCV001073219.9), dbSNP rs1131690907, ClinGen allele CA388250703.
Genomic context (GRCh38, chr13:48,307,407, plus strand): 5'-CATGTCAGAGAGAGAGCTTGGTTAACTTGGGAGAAAGTTTCATCTGTGGATGGAGTATTG[G>T]TAAGGATTTTCTTAAAACGTTTTGAAATTTTTTTTTCTCATTTTAAAAACAACTTCAAAT-3'

ClinVar aggregate classification (germline): Pathogenic (1 of 4 stars; one submission).

Conditions:
Retinoblastoma (RB1). Also called: RETINOBLASTOMA, SOMATIC. Identifiers: Orphanet 790, MedGen C0035335, MeSH D012175, MONDO:0008380, OMIM 180200, HP:0009919. Disease mechanism: loss of function. Inheritance: Both sporadic and heritable forms are tested..

Submission:

Labcorp Genetics (formerly Invitae), Labcorp
Classification: Pathogenic for Retinoblastoma. Last evaluated: 2020-01-18. Review status: criteria provided, single submitter. Criteria: Invitae Variant Classification Sherloc (09022015). Collection method: clinical testing. Allele origin: germline.
Comment: For these reasons, this variant has been classified as Pathogenic. Donor and acceptor splice site variants typically lead to a loss of protein function (PMID: 16199547), and loss-of-function variants in RB1 are known to be pathogenic (PMID: 17096365). Disruption of this splice site has been observed in individuals with bilateral retinoblastoma (PMID: 18181215, 12402348, 15884040). This variant is also known as IVS2+1G>T in the literature. This variant is not present in population databases (ExAC no frequency). This sequence change affects a donor splice site in intron 2 of the RB1 gene. It is expected to disrupt RNA splicing and likely results in an absent or disrupted protein product.

Literature cited by the submitters: PubMed 16199547; PubMed 17096365; PubMed 18181215; PubMed 12402348; PubMed 15884040.